The following is an entry in ClinVar:

ClinVar aggregate classification (germline): Uncertain significance. Review status: criteria provided, multiple submitters, no conflicts (2 of 4 stars). 2 submissions from 2 submitters: Uncertain significance (2). Last evaluated 2025-12-08.

Conditions:
Inborn genetic diseases. Identifiers: MedGen C0950123, MeSH D030342.
Mosaic variegated aneuploidy syndrome 1 (MVA1). Also called: Warburton-Anyane-Yeboa syndrome. Identifiers: Orphanet 1052, MedGen C1850343, MONDO:0009759, OMIM 257300.

Allele frequency attached by ClinVar (database versions not stated): TOPMed below 0.00001.

Submissions (2):

Labcorp Genetics (formerly Invitae), Labcorp
Classification: Uncertain significance for Mosaic variegated aneuploidy syndrome 1. Last evaluated: 2025-12-08. Review status: criteria provided, single submitter. Criteria: Invitae Variant Classification Sherloc (09022015). Collection method: clinical testing. Allele origin: germline.
Comment: This sequence change replaces serine, which is neutral and polar, with proline, which is neutral and non-polar, at codon 569 of the BUB1B protein (p.Ser569Pro). This variant is not present in population databases (gnomAD no frequency). This variant has not been reported in the literature in individuals affected with BUB1B-related conditions. ClinVar contains an entry for this variant (Variation ID: 1778442). An algorithm developed to predict the effect of missense changes on protein structure and function (PolyPhen-2) suggests that this variant is likely to be tolerated. In summary, the available evidence is currently insufficient to determine the role of this variant in disease. Therefore, it has been classified as a Variant of Uncertain Significance.

Ambry Genetics
Classification: Uncertain significance for Inborn genetic diseases. Last evaluated: 2023-12-04. Review status: criteria provided, single submitter. Criteria: Ambry Variant Classification Scheme 2023. Collection method: clinical testing. Allele origin: germline.
Comment: The p.S569P variant (also known as c.1705T>C), located in coding exon 14 of the BUB1B gene, results from a T to C substitution at nucleotide position 1705. The serine at codon 569 is replaced by proline, an amino acid with similar properties. This amino acid position is conserved. In addition, this alteration is predicted to be tolerated by in silico analysis. Since supporting evidence is limited at this time, the clinical significance of this alteration remains unclear.

NM_001211.6(BUB1B):c.1705T>C (p.Ser569Pro)

Gene: BUB1B (BUB1 mitotic checkpoint serine/threonine kinase B; plus strand). Cytogenetic location: 15q15.1.
Variant type: single nucleotide variant.
Coding change: c.1705T>C on transcript NM_001211.6 (MANE Select); coding-DNA position 1705, T replaced by C.
Protein change: p.Ser569Pro; replaces serine 569 with proline.
Molecular consequence: missense variant.
Genome position (GRCh38, 1-based): chr15:40,202,665, T>C. VCF-style: chr15-40202665-T-C. GRCh37 (hg19) VCF-style: chr15-40494866-T-C.
Other names: short protein forms S569P.
Identifiers: ClinVar variation 1778442 (VCV001778442.3), dbSNP rs2037588512, ClinGen allele CA391691686.
Genomic context (GRCh38, chr15:40,202,665, plus strand): 5'-CCACGAGTTTTAGCTCAACGAAGACCCCTTGCAGTTCTCAAAACCTCAGAAAGCATCACC[T>C]CAAATGAAGATGTGTCTCCAGATGTTTGTGTAAGGAGCAGTATCCTTAAGTTAATGTAAA-3'
Protein context (NP_001202.5, residues 559-579): AVLKTSESIT[Ser569Pro]NEDVSPDVCD